The following is an entry in ClinVar:

ClinVar aggregate classification (germline): Uncertain significance (1 of 4 stars; one submission).

Conditions:
Familial thoracic aortic aneurysm and aortic dissection (TAAD). Also called: Thoracic aortic aneurysms and dissections. Identifiers: Orphanet 91387, MedGen C4707243, MONDO:0019625.

Submission:

Color Diagnostics, LLC DBA Color Health
Classification: Uncertain significance for Familial thoracic aortic aneurysm and aortic dissection. Last evaluated: 2025-05-25. Review status: criteria provided, single submitter. Criteria: ACMG Guidelines, 2015. Collection method: clinical testing. Allele origin: germline.
Comment: This missense variant replaces glycine with aspartic acid at codon 21 of the SMAD3 protein. Computational prediction suggests that this variant may not impact protein structure and function. To our knowledge, functional studies have not been reported for this variant. This variant has not been reported in individuals affected with SMAD3-related disorders in the literature. This variant has not been identified in the general population by the Genome Aggregation Database (gnomAD). The available evidence is insufficient to determine the role of this variant in disease conclusively. Therefore, this variant is classified as a Variant of Uncertain Significance.

NM_005902.4(SMAD3):c.62G>A (p.Gly21Asp)

Gene: SMAD3 (SMAD family member 3; plus strand). Cytogenetic location: 15q22.33.
Variant type: single nucleotide variant.
Coding change: c.62G>A on transcript NM_005902.4 (MANE Select); coding-DNA position 62, G replaced by A.
Protein change: p.Gly21Asp; replaces glycine 21 with aspartic acid.
Molecular consequence: missense variant.
Genome position (GRCh38, 1-based): chr15:67,066,216, G>A. VCF-style: chr15-67066216-G-A. GRCh37 (hg19) VCF-style: chr15-67358554-G-A.
Other names: c.62G>A, p.Gly21Asp (NM_001407011.1, NM_001407012.1, NM_001407013.1); short protein forms G21D.
Identifiers: ClinVar variation 4756702 (VCV004756702.1).